The following is an entry in ClinVar:

NM_003014.4(SFRP4):c.240G>A (p.Met80Ile)

Gene: SFRP4 (secreted frizzled related protein 4; minus strand). Cytogenetic location: 7p14.1.
Variant type: single nucleotide variant.
Coding change: c.240G>A on transcript NM_003014.4 (MANE Select); coding-DNA position 240, G replaced by A.
Protein change: p.Met80Ile; replaces methionine 80 with isoleucine.
Molecular consequence: missense variant.
Genome position (GRCh38, 1-based): chr7:37,916,298, C>T on the plus strand (G>A on the coding strand, the complement: SFRP4 is on the minus strand). VCF-style: chr7-37916298-C-T. GRCh37 (hg19) VCF-style: chr7-37955900-C-T.
Other names: short protein forms M80I.
Identifiers: ClinVar variation 1359858 (VCV001359858.8), dbSNP rs2131990832, ClinGen allele CA367220707.

ClinVar aggregate classification (germline): Uncertain significance (1 of 4 stars; one submission).

Submission:

Labcorp Genetics (formerly Invitae), Labcorp
Classification: Uncertain significance. Last evaluated: 2021-07-22. Review status: criteria provided, single submitter. Criteria: Invitae Variant Classification Sherloc (09022015). Collection method: clinical testing. Allele origin: germline.
Comment: This sequence change replaces methionine with isoleucine at codon 80 of the SFRP4 protein (p.Met80Ile). The methionine residue is highly conserved and there is a small physicochemical difference between methionine and isoleucine. In summary, the available evidence is currently insufficient to determine the role of this variant in disease. Therefore, it has been classified as a Variant of Uncertain Significance. Algorithms developed to predict the effect of missense changes on protein structure and function are either unavailable or do not agree on the potential impact of this missense change (SIFT: "Tolerated"; PolyPhen-2: "Possibly Damaging"; Align-GVGD: "Class C0"). This variant has not been reported in the literature in individuals affected with SFRP4-related conditions. This variant is not present in population databases (ExAC no frequency).